The following is an entry in ClinVar:

ClinVar aggregate classification (germline): Uncertain significance (1 of 4 stars; one submission).

Conditions:
Familial cancer of breast. Also called: BREAST CANCER, FAMILIAL; Hereditary breast cancer; hereditary breast carcinoma. Identifiers: Orphanet 227535, MedGen C0346153, MONDO:0016419, OMIM 114480. Disease mechanism: loss of function.

Submission:

Labcorp Genetics (formerly Invitae), Labcorp
Classification: Uncertain significance for Familial cancer of breast. Last evaluated: 2020-06-27. Review status: criteria provided, single submitter. Criteria: Invitae Variant Classification Sherloc (09022015). Collection method: clinical testing. Allele origin: germline.
Comment: Experimental studies and prediction algorithms are not available or were not evaluated, and the functional significance of this variant is currently unknown. In summary, the available evidence is currently insufficient to determine the role of this variant in disease. Therefore, it has been classified as a Variant of Uncertain Significance. This variant has not been reported in the literature in individuals with BARD1-related conditions. This sequence change results in a frameshift in the BARD1 gene (p.Phe770Leufs*14). While this is not anticipated to result in nonsense mediated decay, it is expected to disrupt the last 8 amino acids of the BARD1 protein and extend the protein by an additional 5 amino acids. This variant is not present in population databases (ExAC no frequency).

NM_000465.4(BARD1):c.2307del (p.Phe770fs)

Gene: BARD1 (BRCA1 associated RING domain 1; minus strand). Cytogenetic location: 2q35.
Variant type: Deletion.
Coding change: c.2307del on transcript NM_000465.4 (MANE Select); coding-DNA position 2307, one base deleted (C; older notation c.2307delC).
Protein change: p.Phe770fs; shifts the reading frame from phenylalanine 770.
Molecular consequence: frameshift variant. On other transcripts: non-coding transcript variant (3).
Genome position (GRCh38, 1-based): chr2:214,728,703, G deleted on the plus strand (C on the coding strand, the reverse complement: BARD1 is on the minus strand); the first of 2 consecutive G bases (chr2:214,728,703-214,728,704); deleting either gives the same sequence. VCF-style (leftmost placement, unchanged base first): chr2-214728702-AG-A. GRCh37 (hg19) VCF-style: chr2-215593426-AG-A.
Other names: c.2250del, p.Phe751fs (NM_001282543.2); c.954del, p.Phe319fs (NM_001282545.2); c.897del, p.Phe300fs (NM_001282548.2); c.768del, p.Phe257fs (NM_001282549.2); short protein forms F257fs, F300fs, F319fs, F751fs, F770fs.
Identifiers: ClinVar variation 1013922 (VCV001013922.7), dbSNP rs1692191104, ClinGen allele CA1327045449.
Genomic context (GRCh38, chr2:214,728,702, plus strand): 5'-AAATTCAATTTGAAATGTTCATCTGGTATAATATTCAGCTGTCAAGAGGAAGCAACTCAA[AG>A]GACATCACACAGTCTATAAACCAGCTCGAAGGAGCCTTCCAGACTTTGCCCTGCCGAACC-3'